The following is an entry in ClinVar:

ClinVar aggregate classification (germline): Likely benign. Review status: criteria provided, single submitter (1 of 4 stars). 2 submissions from 2 submitters: Likely benign (1). 1 of the submissions does not count toward it. Last evaluated 2023-07-19.

Conditions:
Christianson syndrome (MRXSCH). Also called: SLC9A6-Related Syndromic Mental Retardation; X-linked mental retardation, syndromic, Christianson type; INTELLECTUAL DEVELOPMENTAL DISORDER, X-LINKED, SYNDROMIC, CHRISTIANSON TYPE. Identifiers: Orphanet 85278, MedGen C2678194, MONDO:0010278, OMIM 300243.
SLC9A6-related disorder. Also called: SLC9A6-related condition.

Allele frequency attached by ClinVar (database versions not stated): ExAC below 0.00001; TOPMed below 0.00001; gnomAD exomes 0.00001; gnomAD 0.00002.
gnomAD v4.1: 9 of 1,192,238 alleles (0.00075%); highest among the groups gnomAD compares: African/African-American, 0.013%; no homozygotes.

Submissions (2):

Labcorp Genetics (formerly Invitae), Labcorp
Classification: Likely benign for Christianson syndrome. Last evaluated: 2023-07-19. Review status: criteria provided, single submitter. Criteria: Invitae Variant Classification Sherloc (09022015). Collection method: clinical testing. Allele origin: germline.

PreventionGenetics, part of Exact Sciences
Classification: Likely benign for SLC9A6-related condition. Last evaluated: 2023-10-31. Review status: no assertion criteria provided. Collection method: clinical testing. Allele origin: germline. Not counted in ClinVar's aggregate classification.
Comment: This variant is classified as likely benign based on ACMG/AMP sequence variant interpretation guidelines (Richards et al. 2015 PMID: 25741868, with internal and published modifications).

NM_001379110.1(SLC9A6):c.483A>G (p.Ala161=)

Gene: SLC9A6 (solute carrier family 9 member A6; plus strand). Cytogenetic location: Xq26.3.
Variant type: single nucleotide variant.
Coding change: c.483A>G on transcript NM_001379110.1 (MANE Select); coding-DNA position 483, A replaced by G.
Protein change: p.Ala161=; no amino-acid change (alanine 161 retained).
Molecular consequence: synonymous variant.
Genome position (GRCh38, 1-based): chrX:135,998,517, A>G. VCF-style: chrX-135998517-A-G. GRCh37 (hg19) VCF-style: chrX-135080676-A-G.
Other names: c.639A>G, p.Ala213= (NM_001042537.2); c.483A>G, p.Ala161= (NM_001177651.2); c.387A>G, p.Ala129= (NM_001330652.2); c.543A>G, p.Ala181= (NM_006359.3).
Identifiers: ClinVar variation 656614 (VCV000656614.8), dbSNP rs781961294, ClinGen allele CA10524678.